The following is an entry in ClinVar:

NM_001743.6(CALM2):c.421+18A>G

Gene: CALM2 (calmodulin 2; minus strand). Cytogenetic location: 2p21.
Variant type: single nucleotide variant.
Coding change: c.421+18A>G on transcript NM_001743.6 (MANE Select); 18 bases into the intron after coding-DNA position 421, A replaced by G.
Molecular consequence: intron variant.
Genome position (GRCh38, 1-based): chr2:47,161,705, T>C on the plus strand (A>G on the coding strand, the complement: CALM2 is on the minus strand). VCF-style: chr2-47161705-T-C. GRCh37 (hg19) VCF-style: chr2-47388844-T-C.
Other names: c.565+18A>G (NM_001305624.1); c.313+18A>G (NM_001305626.1, NM_001305625.2); c.421+18A>G (NM_001743.5).
Identifiers: ClinVar variation 384720 (VCV000384720.11), dbSNP rs2016682, ClinGen allele CA1648535.

ClinVar aggregate classification (germline): Benign. Review status: criteria provided, multiple submitters, no conflicts (2 of 4 stars). 5 submissions from 5 submitters: Benign (5). Last evaluated 2026-02-04.

Conditions:
Long QT syndrome 1 (LQT1). Identifiers: Orphanet 101016, Orphanet 768, MedGen C4551647, MONDO:0100316, OMIM 192500, MONDO:0008646.

Allele frequency attached by ClinVar (database versions not stated): ESP Exome Variant Server 0.00554; gnomAD 0.01645 and 0.02085; gnomAD exomes 0.01874 and 0.04625; ExAC 0.04460; 1000 Genomes Project 0.05212; 1000 Genomes Project 30x 0.05247.
gnomAD v4.1: 30,483 of 1,603,166 alleles (1.9%); highest among the groups gnomAD compares: Admixed American, 16%; 1,767 homozygotes.

Submissions (5):

Labcorp Genetics (formerly Invitae), Labcorp
Classification: Benign for Long QT syndrome 1. Last evaluated: 2026-02-04. Review status: criteria provided, single submitter. Criteria: Invitae Variant Classification Sherloc (09022015). Collection method: clinical testing. Allele origin: germline.

Blueprint Genetics
Classification: Benign. Last evaluated: 2024-11-26. Review status: criteria provided, single submitter. Criteria: ACMG Guidelines, 2015. Collection method: clinical testing. Allele origin: germline.

Women's Health and Genetics/Laboratory Corporation of America, LabCorp
Classification: Benign. Last evaluated: 2023-04-10. Review status: criteria provided, single submitter. Criteria: LabCorp Variant Classification Summary - May 2015. Collection method: clinical testing. Allele origin: germline.

GeneDx
Classification: Benign. Last evaluated: 2016-10-06. Review status: criteria provided, single submitter. Criteria: GeneDx Variant Classification (06012015). Collection method: clinical testing. Allele origin: germline. Affected: yes.
Comment: This variant is considered likely benign or benign based on one or more of the following criteria: it is a conservative change, it occurs at a poorly conserved position in the protein, it is predicted to be benign by multiple in silico algorithms, and/or has population frequency not consistent with disease.

Breakthrough Genomics
Classification: Benign. Review status: criteria provided, single submitter. Criteria: ACMG Guidelines, 2015. Collection method: not provided. Allele origin: germline. Inheritance: Autosomal dominant inheritance. Affected: yes.